The following is an entry in ClinVar:

NM_007194.4(CHEK2):c.1283C>T (p.Ser428Phe)

Gene: CHEK2 (checkpoint kinase 2; minus strand). Cytogenetic location: 22q12.1.
Variant type: single nucleotide variant.
Coding change: c.1283C>T on transcript NM_007194.4 (MANE Select); coding-DNA position 1283, C replaced by T.
Protein change: p.Ser428Phe; replaces serine 428 with phenylalanine.
Molecular consequence: missense variant.
Genome position (GRCh38, 1-based): chr22:28,695,219, G>A on the plus strand (C>T on the coding strand, the complement: CHEK2 is on the minus strand). VCF-style: chr22-28695219-G-A. GRCh37 (hg19) VCF-style: chr22-29091207-G-A.
Other names: p.S428F:TCT>TTT; c.1412C>T, p.Ser471Phe (NM_001005735.3); c.620C>T, p.Ser207Phe (NM_001257387.3); c.1082C>T, p.Ser361Phe (NM_001349956.3); c.1196C>T, p.Ser399Phe (NM_145862.3); short protein forms S428F, S399F, S207F, S361F, S471F.
Identifiers: ClinVar variation 5603 (VCV000005603.120), dbSNP rs137853011, ClinGen allele CA250528.

ClinVar aggregate classification (germline): Conflicting classifications of pathogenicity. Review status: criteria provided, conflicting classifications (1 of 4 stars). 42 submissions from 40 submitters: Pathogenic (21); Likely pathogenic (11); Pathogenic, low penetrance (1); Established risk allele (1); Likely risk allele (1); Uncertain significance (1). 6 of the submissions do not count toward it. Last evaluated 2026-09-01.

Conditions:
CHEK2-related cancer risk.
CHEK2-related cancer predisposition (TPDS4). Also called: CHEK2-related cancer susceptibility; TUMOR PREDISPOSITION SYNDROME 4; CANCER PREDISPOSITION SYNDROME, CHEK2-RELATED. Identifiers: Orphanet 524, MedGen C5882668, MONDO:0700271, OMIM 609265.
Familial prostate cancer. Also called: Hereditary Prostate Cancer. Identifiers: MedGen C2931456, MONDO:0700275, OMIM 176807.
Bone osteosarcoma. Also called: Osteosarcoma, somatic. Identifiers: Orphanet 668, MedGen C0585442, MONDO:0002629, OMIM 259500.
TUMOR PREDISPOSITION SYNDROME 4, BREAST.
CHEK2-related disorder.
Breast and/or ovarian cancer. Identifiers: MedGen CN221562.
Breast neoplasm. Also called: Breast Neoplasms; Neoplasm of the breast; Neoplasm of breast; Breast tumor. Identifiers: MedGen C1458155, MeSH D001943, MONDO:0021100, HP:0100013. Disease mechanism: gain of function.
Prostate cancer. Also called: Malignant tumor of prostate. Identifiers: Orphanet 1331, MedGen C0376358, MONDO:0008315, HP:0012125.
Familial cancer of breast. Also called: Hereditary breast cancer; hereditary breast carcinoma; BREAST CANCER, FAMILIAL. Identifiers: Orphanet 227535, MedGen C0346153, MONDO:0016419, OMIM 114480. Disease mechanism: loss of function.
Hereditary cancer-predisposing syndrome. Also called: Tumor predisposition; Neoplastic Syndromes, Hereditary; Hereditary neoplastic syndrome; Hereditary Cancer Syndrome. Identifiers: Orphanet 140162, MedGen C0027672, MeSH D009386, MONDO:0015356.
Breast and colorectal cancer, susceptibility to. Also called: HBCC, susceptibility to. Identifiers: MedGen CN068920.
Hereditary breast ovarian cancer syndrome. Also called: Hereditary breast and ovarian cancer; Hereditary breast and ovarian cancer syndrome (HBOC); Hereditary breast and ovarian cancer syndrome; Hereditary breast and/or ovarian cancer syndrome; Breast and ovarian cancer; BRCA1- and BRCA2-Associated Hereditary Breast and Ovarian Cancer. Identifiers: Orphanet 145, MedGen C0677776, MeSH D061325, MONDO:0003582. Disease mechanism: loss of function.
Malignant tumor of breast. Also called: Malignant breast neoplasm; Cancer breast. Identifiers: MedGen C0006142, MONDO:0007254. Disease mechanism: loss of function.
Breast cancer, susceptibility to. Identifiers: MedGen C3469522. Disease mechanism: gain of function.

Allele frequency attached by ClinVar (database versions not stated): ExAC 0.00031; gnomAD exomes 0.00049 and 0.00026; gnomAD 0.00025 and 0.00026; TOPMed 0.00028.
gnomAD v4.1: 444 of 1,610,148 alleles (0.028%); highest among the groups gnomAD compares: Non-Finnish European, 0.0071%; 3 homozygotes.

Submissions 1 to 7 of 42:

CeGaT Center for Human Genetics Tuebingen
Classification: Likely pathogenic. Last evaluated: 2026-09-01. Review status: criteria provided, single submitter. Criteria: CeGaT Center For Human Genetics Tuebingen Variant Classification Criteria Version 2. Collection method: clinical testing. Allele origin: germline. Affected: yes. Observed: 16 variant alleles.
Comment: CHEK2: PP1:Strong, PS4:Moderate, PS3:Supporting, BP4

Greenwood Genetic Center Diagnostic Laboratories, Greenwood Genetic Center
Classification: Likely pathogenic for CHEK2-related cancer predisposition. Last evaluated: 2026-05-14. Review status: criteria provided, single submitter. Criteria: ACMG Guidelines, 2015. Collection method: clinical testing. Allele origin: germline.
Comment: PS3, PS4_Moderate

Labcorp Genetics (formerly Invitae), Labcorp
Classification: Pathogenic, low penetrance for Familial cancer of breast. Last evaluated: 2026-02-03. Review status: criteria provided, single submitter. Criteria: Invitae Variant Classification Sherloc (09022015). Collection method: clinical testing. Allele origin: germline.
Comment: This sequence change replaces serine, which is neutral and polar, with phenylalanine, which is neutral and non-polar, at codon 428 of the CHEK2 protein (p.Ser428Phe). This variant is present in population databases (rs137853011, gnomAD 1.1%), and has an allele count higher than expected for a pathogenic variant. In a large case-control study of Ashkenazi Jewish women, this variant was found in 2.9% of individuals with breast cancer and 1.4% of individuals with no prior indication of cancer. This translates to approximately a 2-fold increased risk (OR=2.13, 95% CI [1.26, 3.69], P=0.004) of breast cancer for c.1283C>T carriers in this population (PMID: 15649950). Outside of the Ashkenazi Jewish population this variant is very rare (<0.05%) and the cancer risks have not been well established. Their aunt and two female cousins also carried this variant; It has also been observed to segregate with disease in related individuals. ClinVar contains an entry for this variant (Variation ID: 5603). An algorithm developed to predict the effect of missense changes on protein structure and function (PolyPhen-2) suggests that this variant is likely to be disruptive. Experimental studies in yeast have shown that the Ser428Phe substitution abrogates CHEK2 protein function to a similar extent as other partially damaging alleles (PMID: 15649950, 22419737). Furthermore, in two individuals with invasive breast cancer, this missense variant was found to be heterozygous in the germline and hemizygous in the tumors (PMID: 15649950). Altogether, these results suggest that the Ser428Phe change is deleterious and contributes to tumorigenesis. RNA analysis performed to evaluate the impact of this missense change on mRNA splicing indicates it does not significantly alter splicing (internal data). In summary, this variant is reported to cause disease. However, as this variant is associated with a lower penetrance than other pathogenic alleles in the CHEK2 gene, it has been classified as Pathogenic (low penetrance).

Mayo Clinic Laboratories, Mayo Clinic
Classification: Likely pathogenic. Last evaluated: 2025-10-06. Review status: criteria provided, single submitter. Criteria: ACMG Guidelines, 2015. Collection method: clinical testing. Allele origin: germline. Observed: 3 variant alleles.
Comment: PM1, PS3

Quest Diagnostics Nichols Institute San Juan Capistrano
Classification: Pathogenic. Last evaluated: 2025-06-20. Review status: criteria provided, single submitter. Criteria: Quest Diagnostics criteria. Collection method: clinical testing. Allele origin: unknown.
Comment: The CHEK2 c.1283C>T (p.Ser428Phe) variant has been reported in individuals with breast or prostate cancer (PMID: 15649950 (2005), 18571837 (2008), 22419737 (2012), 27153395 (2016), 27798748 (2017), 31360903 (2019)) and it is described as being a founder mutation in the Ashkenazi Jewish population that is associated with a 2-fold increased risk for breast cancer in the Ashkenazi-Jewish population (PMID: 15649950 (2005)). In addition, functional studies have shown that this variant abrogates CHEK2 protein function (PMID: 15649950 (2005), 22419737 (2012)). However, this variant has also been reported in multiple reportedly unaffected individuals (PMID: 15649950 (2005), 18571837 (2008), 22419737 (2012)) and it is reported as having an allele frequency in a population database (the Genome Aggregation Database) that is higher than that expected for a disease associated variant in the CHEK2 gene. Based on the available information, the variant is classified as a pathogenic variant with reduced penetrance.

Color Diagnostics, LLC DBA Color Health
Classification: Pathogenic for Hereditary cancer-predisposing syndrome. Last evaluated: 2025-03-17. Review status: criteria provided, single submitter. Criteria: ACMG Guidelines, 2015. Collection method: clinical testing. Allele origin: germline.
Comment: This missense variant replaces serine with phenylalanine at codon 428 in the kinase domain of the CHEK2 protein. Computational prediction suggests that this variant may not impact protein structure and function. Functional studies have shown that the mutant protein is partially defective in DNA damage repair function (PMID: 15649950, 18571837, 22419737, DOI:10.4236/abb.2014.54046), but a complementation assay in human cells showed this variant did not impact KAP1 phosphorylation or CHEK2 autophosphorylation (PMID: 37449874). This variant has been reported in individuals affected with breast cancer (PMID: 15649950, 16551709, 18085035, 22419737, 28727877, 31159747, 33471991, 34622392, 35264596). In a large case-control study of Ashkenazi Jewish women, this variant was observed at a higher frequency in breast cancer cases than in unaffected controls (OR=2.13, 95% CI 1.26 to 3.69, p-value=0.004; PMID: 15649950). In another case-control study conducted in an Ashkenazi Jewish population, this variant was reported in 162/6420 breast cancer cases and 47/2335 controls (OR=1.2536, 95%CI 0.9029 to 1.7406, p-value=0.176; PMID: 34622392). In two large international case-control meta analyses, this variant was reported in 11/60466 breast cancer cases and 14/53461 controls (OR=0.695, 95%CI 0.315 to 1.53, p-value=0.425; PMID: 33471991) and 43/73048 breast cancer cases and 28/88658 controls (OR=1.57, 95%CI 0.95 to 2.62; PMID: 37449874). This variant has been identified in 131/282204 chromosomes in the general population by the Genome Aggregation Database (gnomAD), almost exclusively in the Ashkenazi Jewish population (116/10362, 1.1%). The variant has also been observed in 10/7325 European American women older than 70 years of age that never had cancer (FLOSSIES), indicating the variant is likely to be of reduced or low penetrance. The available evidence indicates that this variant is associated with disease and therefore is classified as Pathogenic. This variant appears to show reduced penetrance compared to typical pathogenic variants in the CHEK2 gene.

Center for Genomic Medicine, Rigshospitalet, Copenhagen University Hospital
Classification: Likely pathogenic. Last evaluated: 2025-03-04. Review status: criteria provided, single submitter. Criteria: ACMG Guidelines, 2015. Collection method: clinical testing. Allele origin: germline.